The following is an entry in ClinVar:

NM_006445.4(PRPF8):c.3890C>A (p.Thr1297Lys)

Gene: PRPF8 (pre-mRNA processing factor 8; minus strand). Cytogenetic location: 17p13.3.
Variant type: single nucleotide variant.
Coding change: c.3890C>A on transcript NM_006445.4 (MANE Select); coding-DNA position 3890, C replaced by A.
Protein change: p.Thr1297Lys; replaces threonine 1297 with lysine.
Molecular consequence: missense variant.
Genome position (GRCh38, 1-based): chr17:1,662,038, G>T on the plus strand (C>A on the coding strand, the complement: PRPF8 is on the minus strand). VCF-style: chr17-1662038-G-T. GRCh37 (hg19) VCF-style: chr17-1565332-G-T.
Other names: short protein forms T1297K.
Identifiers: ClinVar variation 452627 (VCV000452627.5), dbSNP rs1555551460, ClinGen allele CA397579112.

ClinVar aggregate classification (germline): Likely pathogenic (1 of 4 stars; one submission).

Submission:

GeneDx
Classification: Likely pathogenic. Last evaluated: 2021-09-29. Review status: criteria provided, single submitter. Criteria: GeneDx Variant Classification Process June 2021. Collection method: clinical testing. Allele origin: germline. Affected: yes.
Comment: Not observed in large population cohorts (Lek et al., 2016); In silico analysis supports that this missense variant has a deleterious effect on protein structure/function; Has not been previously published as pathogenic or benign to our knowledge